The following is an entry in ClinVar:

ClinVar aggregate classification (germline): Pathogenic (1 of 4 stars; one submission).

Conditions:
Hereditary diffuse gastric adenocarcinoma (HDGC). Also called: DIFFUSE GASTRIC AND LOBULAR BREAST CANCER SYNDROME. Identifiers: Orphanet 26106, MedGen C1708349, MONDO:0007648, OMIM 137215.

Submission:

European Reference Network on Genetic Tumour Risk Syndromes (ERN-GENTURIS), i3s - Instituto de Investigação e Inovação em Saúde, University of Porto
Classification: Pathogenic for Hereditary diffuse gastric adenocarcinoma. Last evaluated: 2022-08-01. Review status: criteria provided, single submitter. Criteria: Lee et al. (Hum Mutat. 2018). Collection method: clinical testing. Allele origin: germline. Inheritance: Autosomal dominant inheritance. Affected: yes. Study: ERN GENTURIS.
Comment: PVS1; PS4_Supporting; PM2 (PMID: 30311375)

Literature cited by the submitters: PubMed 36436516; PubMed 26072394.

NM_004360.5(CDH1):c.811_812delinsTTAAGGGATATA (p.Val271fs)

Gene: CDH1 (cadherin 1; plus strand). Cytogenetic location: 16q22.1.
Variant type: Indel.
Coding change: c.811_812delinsTTAAGGGATATA on transcript NM_004360.5 (MANE Select); coding-DNA positions 811 to 812, GT replaced by TTAAGGGATATA.
Protein change: p.Val271fs; shifts the reading frame from valine 271.
Molecular consequence: frameshift variant. On other transcripts: 5 prime UTR variant (2).
Genome position (GRCh38, 1-based): chr16:68,810,320-68,810,321, GT replaced by TTAAGGGATATA. VCF-style: chr16-68810320-GT-TTAAGGGATATA. GRCh37 (hg19) VCF-style: chr16-68844223-GT-TTAAGGGATATA.
Other names: c.811_812delinsTTAAGGGATATA, p.Val271fs (NM_001317184.2); c.-805_-804delinsTTAAGGGATATA (NM_001317185.2); c.-1009_-1008delinsTTAAGGGATATA (NM_001317186.2); short protein forms V271fs.
Identifiers: ClinVar variation 2502927 (VCV002502927.1), dbSNP rs2543919364, ClinGen allele CA2580612866.